The following is an entry in ClinVar:

ClinVar aggregate classification (germline): Conflicting classifications of pathogenicity. Review status: criteria provided, conflicting classifications (1 of 4 stars). 4 submissions from 4 submitters: Uncertain significance (3); Likely benign (1). Last evaluated 2023-05-22.

Conditions:
Hereditary cancer-predisposing syndrome. Also called: Tumor predisposition; Hereditary Cancer Syndrome; Hereditary neoplastic syndrome; Neoplastic Syndromes, Hereditary. Identifiers: Orphanet 140162, MedGen C0027672, MeSH D009386, MONDO:0015356.
Hereditary breast ovarian cancer syndrome. Also called: Breast and ovarian cancer; Hereditary breast and ovarian cancer; Hereditary breast and/or ovarian cancer syndrome; BRCA1- and BRCA2-Associated Hereditary Breast and Ovarian Cancer; Hereditary breast and ovarian cancer syndrome (HBOC); Hereditary breast and ovarian cancer syndrome. Identifiers: Orphanet 145, MedGen C0677776, MeSH D061325, MONDO:0003582. Disease mechanism: loss of function.

Submissions (4):

Labcorp Genetics (formerly Invitae), Labcorp
Classification: Uncertain significance for Hereditary breast ovarian cancer syndrome. Last evaluated: 2023-05-22. Review status: criteria provided, single submitter. Criteria: Invitae Variant Classification Sherloc (09022015). Collection method: clinical testing. Allele origin: germline.
Comment: This sequence change replaces aspartic acid, which is acidic and polar, with glycine, which is neutral and non-polar, at codon 1360 of the BRCA2 protein (p.Asp1360Gly). This variant is not present in population databases (gnomAD no frequency). This variant has not been reported in the literature in individuals affected with BRCA2-related conditions. ClinVar contains an entry for this variant (Variation ID: 182206). Advanced modeling of protein sequence and biophysical properties (such as structural, functional, and spatial information, amino acid conservation, physicochemical variation, residue mobility, and thermodynamic stability) performed at Invitae indicates that this missense variant is not expected to disrupt BRCA2 protein function. In summary, the available evidence is currently insufficient to determine the role of this variant in disease. Therefore, it has been classified as a Variant of Uncertain Significance.

University of Washington Department of Laboratory Medicine, University of Washington
Classification: Likely benign for Hereditary cancer-predisposing syndrome. Last evaluated: 2023-03-23. Review status: criteria provided, single submitter. Criteria: Dines et al. (Genet Med. 2020). Collection method: curation. Allele origin: germline.
Comment: Missense variant in a coldspot region where missense variants are very unlikely to be pathogenic (PMID:31911673).

BRCA2 exon 11 coldspot. Reclassification based on statistical prior probability.

Ambry Genetics
Classification: Uncertain significance for Hereditary cancer-predisposing syndrome. Last evaluated: 2022-11-19. Review status: criteria provided, single submitter. Criteria: Ambry Variant Classification Scheme 2023. Collection method: clinical testing. Allele origin: germline.
Comment: The p.D1360G variant (also known as c.4079A>G), located in coding exon 10 of the BRCA2 gene, results from an A to G substitution at nucleotide position 4079. The aspartic acid at codon 1360 is replaced by glycine, an amino acid with similar properties. This amino acid position is conserved. In addition, this alteration is predicted to be tolerated by in silico analysis. Since supporting evidence is limited at this time, the clinical significance of this alteration remains unclear.

GeneDx
Classification: Uncertain significance. Last evaluated: 2013-10-24. Review status: criteria provided, single submitter. Criteria: GeneDx Variant Classification (06012015). Collection method: clinical testing. Allele origin: germline. Affected: yes.
Comment: This variant is denoted BRCA2 c.4079A>G at the cDNA level, p.Asp1360Gly (D1360G) at the protein level, and results in the change of an Aspartic Acid to a Glycine (GAT>GGT). This variant has not, to our knowledge, been published in the literature. BRCA2 Asp1360Gly was not observed in approximately 6,500 individuals of European and African American ancestry in the NHLBI Exome Sequencing Project, indicating it is not a common benign variant in these populations. This variant is a non-conservative substitution of a negative polar amino acid for a neutral non-polar one, altering a position that is highly variable throughout evolution and is not located in a known functional domain. In silico analyses predict this variant to have a benign effect on protein structure and function. Based on the currently available information, we consider BRCA2 Asp1360Gly to be a variant of uncertain significance.

NM_000059.4(BRCA2):c.4079A>G (p.Asp1360Gly)

Gene: BRCA2 (BRCA2 DNA repair associated; plus strand). Cytogenetic location: 13q13.1.
Variant type: single nucleotide variant.
Coding change: c.4079A>G on transcript NM_000059.4 (MANE Select); coding-DNA position 4079, A replaced by G.
Protein change: p.Asp1360Gly; replaces aspartic acid 1360 with glycine.
Molecular consequence: missense variant.
Genome position (GRCh38, 1-based): chr13:32,338,434, A>G. VCF-style: chr13-32338434-A-G. GRCh37 (hg19) VCF-style: chr13-32912571-A-G.
Other names: p.D1360G:GAT>GGT; short protein forms D1360G.
Identifiers: ClinVar variation 182206 (VCV000182206.11), dbSNP rs730881529, ClinGen allele CA019477.